The following is an entry in ClinVar:

ClinVar aggregate classification (germline): Uncertain significance (1 of 4 stars; one submission).

Conditions:
Ehlers-Danlos syndrome, classic type, 1 (EDSCL1). Also called: EHLERS-DANLOS SYNDROME, GRAVIS TYPE; EHLERS-DANLOS SYNDROME, SEVERE CLASSIC TYPE; EDS I; Ehlers-Danlos Syndrome, Classic Type, COL5A1-Related; Ehlers-Danlos syndrome, type 1. Identifiers: MedGen C0268335, MONDO:0019567, OMIM 130000.

Submission:

Labcorp Genetics (formerly Invitae), Labcorp
Classification: Uncertain significance for Ehlers-Danlos syndrome, classic type, 1. Last evaluated: 2020-02-20. Review status: criteria provided, single submitter. Criteria: Invitae Variant Classification Sherloc (09022015). Collection method: clinical testing. Allele origin: germline.
Comment: This sequence change replaces glycine with arginine at codon 585 of the COL5A2 protein (p.Gly585Arg). The glycine residue is highly conserved and there is a moderate physicochemical difference between glycine and arginine. This variant is not present in population databases (ExAC no frequency). This variant has not been reported in the literature in individuals with COL5A2-related conditions. Algorithms developed to predict the effect of missense changes on protein structure and function (SIFT, PolyPhen-2, Align-GVGD) all suggest that this variant is likely to be disruptive, but these predictions have not been confirmed by published functional studies and their clinical significance is uncertain. In summary, the available evidence is currently insufficient to determine the role of this variant in disease. Therefore, it has been classified as a Variant of Uncertain Significance.

NM_000393.5(COL5A2):c.1753G>A (p.Gly585Arg)

Gene: COL5A2 (collagen type V alpha 2 chain; minus strand). Cytogenetic location: 2q32.2.
Variant type: single nucleotide variant.
Coding change: c.1753G>A on transcript NM_000393.5 (MANE Select); coding-DNA position 1753, G replaced by A.
Protein change: p.Gly585Arg; replaces glycine 585 with arginine.
Molecular consequence: missense variant.
Genome position (GRCh38, 1-based): chr2:189,063,997, C>T on the plus strand (G>A on the coding strand, the complement: COL5A2 is on the minus strand). VCF-style: chr2-189063997-C-T. GRCh37 (hg19) VCF-style: chr2-189928723-C-T.
Other names: short protein forms G585R.
Identifiers: ClinVar variation 1042015 (VCV001042015.48), dbSNP rs1686090076, ClinGen allele CA349880418.
Genomic context (GRCh38, chr2:189,063,997, plus strand): 5'-TGAAAAATATTAGTGGTTGTGGACTTCTGTTTAAATTACTTACCAAAGGTCCAAGTTTTC[C>T]TTCAGGACCTTGAACACCAGGATTTCCTGTCAAACCCTGAAAATAAAAAACCAACTGTCA-3'
Protein context (NP_000384.2, residues 575-595): TGNPGVQGPE[Gly585Arg]KLGPLGAPGE